The following is an entry in ClinVar:

ClinVar aggregate classification (germline): Uncertain significance (1 of 4 stars; one submission).

Allele frequency attached by ClinVar (database versions not stated): gnomAD exomes below 0.00001; gnomAD 0.00001.

Submission:

Labcorp Genetics (formerly Invitae), Labcorp
Classification: Uncertain significance. Last evaluated: 2023-03-31. Review status: criteria provided, single submitter. Criteria: Invitae Variant Classification Sherloc (09022015). Collection method: clinical testing. Allele origin: germline.
Comment: Algorithms developed to predict the effect of sequence changes on RNA splicing suggest that this variant may disrupt the consensus splice site. This sequence change falls in intron 5 of the SETBP1 gene. It does not directly change the encoded amino acid sequence of the SETBP1 protein. This variant is not present in population databases (gnomAD no frequency). This variant has not been reported in the literature in individuals affected with SETBP1-related conditions. In summary, the available evidence is currently insufficient to determine the role of this variant in disease. Therefore, it has been classified as a Variant of Uncertain Significance.

NM_015559.3(SETBP1):c.4155_4171+10dup

Gene: SETBP1 (SET binding protein 1; plus strand). Cytogenetic location: 18q12.3.
Variant type: Duplication.
Coding change: c.4155_4171+10dup on transcript NM_015559.3 (MANE Select); coding-DNA position 4155 through 10 bases into the intron after coding-DNA position 4171, 27 bases duplicated (AGCAACGTCGGATGCAGGTGAGCACTT).
Molecular consequence: splice donor variant. On other transcripts: intron variant (1).
Genome position (GRCh38, 1-based): chr18:45,038,639-45,038,665, AGCAACGTCGGATGCAGGTGAGCACTT duplicated. VCF-style (leftmost placement, unchanged base first): chr18-45038638-C-CAGCAACGTCGGATGCAGGTGAGCACTT. GRCh37 (hg19) VCF-style: chr18-42618603-C-CAGCAACGTCGGATGCAGGTGAGCACTT.
Other names: c.4155_4171+10dup (NM_001379141.1, NM_001379142.1); c.4001-24440_4001-24414dup (NM_001410862.1).
Identifiers: ClinVar variation 2721658 (VCV002721658.3), dbSNP rs1423133535, ClinGen allele CA779691448.